The following continues an entry in ClinVar:

NM_000051.4(ATM):c.5262G>T (p.Lys1754Asn)

Gene: ATM. ClinVar aggregate classification (germline): Uncertain significance. Uncertain significance (11).

Submissions 11 to 16 of 16:

Fulgent Genetics
Classification: Uncertain significance for Familial cancer of breast; Ataxia-telangiectasia syndrome. Last evaluated: 2018-10-31. Review status: criteria provided, single submitter. Criteria: ACMG Guidelines, 2015. Collection method: clinical testing. Allele origin: unknown.

Natera, Inc.
Classification: Uncertain significance for Ataxia-telangiectasia. Last evaluated: 2021-08-04. Review status: no assertion criteria provided. Collection method: clinical testing. Allele origin: germline. Not counted in ClinVar's aggregate classification.

Counsyl
Classification: Uncertain significance for Ataxia-telangiectasia syndrome. Last evaluated: 2018-01-18. Review status: no assertion criteria provided. Collection method: clinical testing. Allele origin: unknown. Not counted in ClinVar's aggregate classification.

Clinical Genetics DNA and cytogenetics Diagnostics Lab, Erasmus MC, Erasmus Medical Center
Classification: Uncertain significance. Review status: no assertion criteria provided. Collection method: clinical testing. Allele origin: germline. Affected: yes. Study: VKGL Data-share Consensus. Not counted in ClinVar's aggregate classification.

Department of Pathology and Laboratory Medicine, Sinai Health System
Classification: Uncertain significance for Malignant tumor of breast. Review status: no assertion criteria provided. Collection method: clinical testing. Allele origin: unknown. Affected: yes. Study: The Canadian Open Genetics Repository (COGR). Not counted in ClinVar's aggregate classification.
Comment: The ATM p.Lys1754Asn variant was identified in 1 of 11178 proband chromosomes (frequency: 0.00009) from German individuals or families tested for hereditary breast and ovarian cancer (Hauke 2018), and in one lymphoblastoid cell line established from a radiation-induced choroidal telangiectasia patient (Mauget-Faysse 2003). The variant was identified in dbSNP (ID: rs748900588) as â€šÃ„ÃºWith Uncertain significance alleleâ€šÃ„Ã¹, ClinVar (classified as uncertain significance; submitters: Invitae, GeneDx, Ambry Genetics, Color and Counsyl), and LOVD 3.0 (1x as VUS). The variant was also identified in control databases in 5 of 276868 chromosomes at a frequency of 0.00002 (Genome Aggregation Database Feb 27, 2017), observed in the European Non-Finnish population in 5 of 126404 chromosomes (freq: 0.00004), but not in the African, Other, Latino, Ashkenazi Jewish, East Asian, Finnish, and South Asian populations. The p.Lys1754 residue is conserved in mammals and computational analyses (PolyPhen-2, SIFT, AlignGVGD, BLOSUM, MutationTaster) provide inconsistent predictions regarding the impact of the variant Asn to the protein; this information is not very predictive of pathogenicity. The variant occurs outside of the splicing consensus sequence and 1 of 4 in silico or computational prediction software programs (SpliceSiteFinder, MaxEntScan, NNSPLICE, GeneSplicer) predict a greater than 10% difference in splicing; this is not very predictive of pathogenicity. In summary, based on the above information the clinical significance of this variant cannot be determined with certainty at this time. This variant is classified as a variant of uncertain significance.

Diagnostic Laboratory, Department of Genetics, University Medical Center Groningen
Classification: Uncertain significance. Review status: no assertion criteria provided. Collection method: clinical testing. Allele origin: germline. Affected: yes. Study: VKGL Data-share Consensus. Not counted in ClinVar's aggregate classification.

Literature cited by the submitters: PubMed 12882767 (cited by 6 submitters); PubMed 29522266 (cited by 3 submitters); PubMed 29684080 (cited by 4 submitters); PubMed 32885271 (cited by Labcorp Genetics (formerly Invitae), Labcorp and Quest Diagnostics Nichols Institute San Juan Capistrano); PubMed 28779002 (cited by 4 submitters); PubMed 33471991 (cited by 5 submitters); PubMed 40580951 (cited by Ambry Genetics); PubMed 24197801 (cited by Quest Diagnostics Nichols Institute San Juan Capistrano).